The following is an entry in ClinVar:

ClinVar aggregate classification (germline): Likely pathogenic (0 of 4 stars; one submission).

Submission:

Department of Pathology and Laboratory Medicine, Sinai Health System
Classification: Likely pathogenic. Review status: no assertion criteria provided. Collection method: clinical testing. Allele origin: unknown. Affected: yes. Study: The Canadian Open Genetics Repository (COGR).
Comment: The BRCA2 p.Glu1113Aspfs*6 variant was not identified in the literature nor was it identified in the dbSNP, ClinVar, LOVD 3.0, or UMD-LSDB databases. The variant was not identified in the following control databases: the Exome Aggregation Consortium (August 8th 2016), or the Genome Aggregation Database (Feb 27, 2017). The c.3339del variant is predicted to cause a frameshift, which alters the protein's amino acid sequence beginning at codon 1113 and leads to a premature stop codon at position 1119. This alteration is then predicted to result in a truncated or absent protein and loss of function. Loss of function variants of the BRCA2 gene are an established mechanism of disease in HBOC and is the type of variant expected to cause the disorder. In summary, based on the above information the clinical significance of this variant cannot be determined with certainty at this time although we would lean towards a more pathogenic role for this variant. This variant is classified as likely pathogenic.

NM_000059.4(BRCA2):c.3339del (p.Glu1113fs)

Gene: BRCA2 (BRCA2 DNA repair associated; plus strand). Cytogenetic location: 13q13.1.
Variant type: Deletion.
Coding change: c.3339del on transcript NM_000059.4 (MANE Select); coding-DNA position 3339, one base deleted (A; older notation c.3339delA).
Protein change: p.Glu1113fs; shifts the reading frame from glutamic acid 1113.
Molecular consequence: frameshift variant.
Genome position (GRCh38, 1-based): chr13:32,337,694, A deleted; the last of 2 consecutive A bases (chr13:32,337,693-32,337,694); deleting either gives the same sequence. VCF-style (leftmost placement, unchanged base first): chr13-32337692-GA-G. GRCh37 (hg19) VCF-style: chr13-32911829-GA-G.
Other names: short protein forms E1113fs.
Identifiers: ClinVar variation 1050739 (VCV001050739.1), dbSNP rs2137495606, ClinGen allele CA2499222127.